The following is an entry in ClinVar:

NM_001035.3(RYR2):c.10690-301C>A

Gene: RYR2 (ryanodine receptor 2; plus strand). Cytogenetic location: 1q43.
Variant type: single nucleotide variant.
Coding change: c.10690-301C>A on transcript NM_001035.3 (MANE Select); 301 bases into the intron before coding-DNA position 10690, C replaced by A.
Molecular consequence: intron variant.
Genome position (GRCh38, 1-based): chr1:237,725,972, C>A. VCF-style: chr1-237725972-C-A. GRCh37 (hg19) VCF-style: chr1-237889272-C-A.
Identifiers: ClinVar variation 669989 (VCV000669989.2), dbSNP rs115517613, ClinGen allele CA39806136.
Genomic context (GRCh38, chr1:237,725,972, plus strand): 5'-CAAAATGGAAATTTAAATTGAAGTATGTTGGGTCTCATTGAAAACTATTGCCCTTGATTG[C>A]TTTTACTTCTATGTTAAAGGCCTAACAGTGGTTTATTTCACTTGACACAAGCATCAAGAA-3'

ClinVar aggregate classification (germline): Likely benign. Review status: criteria provided, multiple submitters, no conflicts (2 of 4 stars). 2 submissions from 2 submitters: Likely benign (2). Last evaluated 2018-06-14.

Allele frequency attached by ClinVar (database versions not stated): gnomAD 0.00635 and 0.00674; TOPMed 0.00704; 1000 Genomes Project 0.00899; 1000 Genomes Project 30x 0.00968.
gnomAD v4.1: 955 of 152,052 alleles (0.63%); highest among the groups gnomAD compares: African/African-American, 2.2%; 12 homozygotes.

Submissions (2):

GeneDx
Classification: Likely benign. Last evaluated: 2018-06-14. Review status: criteria provided, single submitter. Criteria: GeneDx Variant Classification (06012015). Collection method: clinical testing. Allele origin: germline. Affected: yes.
Comment: This variant is considered likely benign or benign based on one or more of the following criteria: it is a conservative change, it occurs at a poorly conserved position in the protein, it is predicted to be benign by multiple in silico algorithms, and/or has population frequency not consistent with disease.

Breakthrough Genomics
Classification: Likely benign. Review status: criteria provided, single submitter. Criteria: ACMG Guidelines, 2015. Collection method: not provided. Allele origin: germline. Inheritance: Autosomal dominant inheritance. Affected: yes.